The following is an entry in ClinVar:

ClinVar aggregate classification (germline): Uncertain significance (1 of 4 stars; one submission).

Conditions:
Epidermolysis bullosa simplex 3, localized or generalized intermediate, with BP230 deficiency (EBS3). Also called: Epidermolysis bullosa simplex due to BP230 deficiency; Epidermolysis bullosa simplex, autosomal recessive 2. Identifiers: Orphanet 412181, MedGen C3809470, MONDO:0014180, OMIM 615425.
Hereditary sensory and autonomic neuropathy type 6. Also called: HSAN VI; Neuropathy, hereditary sensory and autonomic, type VI. Identifiers: Orphanet 314381, MedGen C3539003, MONDO:0013839, OMIM 614653.

Allele frequency attached by ClinVar (database versions not stated): gnomAD exomes below 0.00001.
gnomAD v4.1: 1 of 1,614,026 alleles (0.000062%); highest among the groups gnomAD compares: Admixed American, 0.0017%; no homozygotes.

Submission:

Labcorp Genetics (formerly Invitae), Labcorp
Classification: Uncertain significance for Epidermolysis bullosa simplex 3, localized or generalized intermediate, with BP230 deficiency; Hereditary sensory and autonomic neuropathy type 6. Last evaluated: 2022-02-05. Review status: criteria provided, single submitter. Criteria: Invitae Variant Classification Sherloc (09022015). Collection method: clinical testing. Allele origin: germline.
Comment: This sequence change replaces asparagine, which is neutral and polar, with serine, which is neutral and polar, at codon 4568 of the DST protein (p.Asn4568Ser). The DST gene has multiple clinically relevant transcripts. This variant occurs in alternate transcript NM_015548.4, and corresponds to NM_001723.5:c.*138069A>G in the primary transcript. In summary, the available evidence is currently insufficient to determine the role of this variant in disease. Therefore, it has been classified as a Variant of Uncertain Significance. Experimental studies and prediction algorithms are not available or were not evaluated, and the functional significance of this variant is currently unknown. This variant has not been reported in the literature in individuals affected with DST-related conditions. This variant is present in population databases (no rsID available, gnomAD 0.003%).

NM_001374736.1(DST):c.21572A>G (p.Asn7191Ser)

Gene: DST (dystonin; minus strand). Cytogenetic location: 6p12.1.
Variant type: single nucleotide variant.
Coding change: c.21572A>G on transcript NM_001374736.1 (MANE Select); coding-DNA position 21572, A replaced by G.
Protein change: p.Asn7191Ser; replaces asparagine 7191 with serine.
Molecular consequence: missense variant.
Genome position (GRCh38, 1-based): chr6:56,477,448, T>C on the plus strand (A>G on the coding strand, the complement: DST is on the minus strand). VCF-style: chr6-56477448-T-C. GRCh37 (hg19) VCF-style: chr6-56342246-T-C.
Other names: c.15215A>G, p.Asn5072Ser (NM_001144769.5); c.14801A>G, p.Asn4934Ser (NM_001144770.2); c.21572A>G, p.Asn7191Ser (NM_001374722.1); c.20612A>G, p.Asn6871Ser (NM_001374729.1); c.14354A>G, p.Asn4785Ser (NM_001374730.1); c.21599A>G, p.Asn7200Ser (NM_001374734.1); c.14681A>G, p.Asn4894Ser (NM_001386100.1, NM_183380.4); c.13703A>G, p.Asn4568Ser (NM_015548.5); short protein forms N4568S, N4785S, N4894S, N4934S, N5072S, N6871S, N7191S, N7200S.
Identifiers: ClinVar variation 1010392 (VCV001010392.12), dbSNP rs1310432337, ClinGen allele CA364511240.